The following is an entry in ClinVar:

NM_000540.3(RYR1):c.5823C>A (p.His1941Gln)

Gene: RYR1 (ryanodine receptor 1; plus strand). Cytogenetic location: 19q13.2.
Variant type: single nucleotide variant.
Coding change: c.5823C>A on transcript NM_000540.3 (MANE Select); coding-DNA position 5823, C replaced by A.
Protein change: p.His1941Gln; replaces histidine 1941 with glutamine.
Molecular consequence: missense variant.
Genome position (GRCh38, 1-based): chr19:38,490,084, C>A. VCF-style: chr19-38490084-C-A. GRCh37 (hg19) VCF-style: chr19-38980724-C-A.
Other names: c.5823C>A, p.His1941Gln (NM_001042723.2); short protein forms H1941Q.
Identifiers: ClinVar variation 3069811 (VCV003069811.4), dbSNP rs897579944, ClinGen allele CA308097378.

ClinVar aggregate classification (germline): Uncertain significance. Review status: criteria provided, multiple submitters, no conflicts (2 of 4 stars). 3 submissions from 3 submitters: Uncertain significance (3). Last evaluated 2025-10-07.

Conditions:
Malignant hyperthermia, susceptibility to, 1 (MHS1). Also called: Anesthesia related hyperthermia; Malignant hyperpyrexia; Fulminating hyperpyrexia; Pharmacogenic myopathy; RYR1-Related Malignant Hyperthermia Susceptibility; Malignant hyperthermia suceptibility 1. Identifiers: Orphanet 423, MedGen C2930980, MONDO:0007783, OMIM 145600.

Allele frequency attached by ClinVar (database versions not stated): TOPMed below 0.00001; gnomAD exomes below 0.00001.
gnomAD v4.1: 7 of 1,613,960 alleles (0.00043%); highest among the groups gnomAD compares: Non-Finnish European, 0.00034%; no homozygotes.

Submissions (3):

Dasa
Classification: Uncertain significance. Last evaluated: 2025-10-07. Review status: criteria provided, single submitter. Criteria: DASA Assertion Criteria. Collection method: clinical testing. Allele origin: germline.
Comment: NM_000540.3(RYR1):c.5823C>A (p.His1941Gln) is a missense variant that results in the substitution of histidine with glutamine. This variant is rare in population databases. Computational prediction algorithms are consistent with a benign effect. The currently available literature and clinical evidence are not sufficient to establish a definitive association between this variant and the reported condition. Therefore, this variant is classified as a variant of uncertain significance.

GeneDx
Classification: Uncertain significance. Last evaluated: 2024-09-10. Review status: criteria provided, single submitter. Criteria: GeneDx Variant Classification Process June 2021. Collection method: clinical testing. Allele origin: germline. Affected: yes.
Comment: Not observed at significant frequency in large population cohorts (gnomAD); In silico analysis indicates that this missense variant does not alter protein structure/function; Has not been previously published as pathogenic or benign to our knowledge

All of Us Research Program, National Institutes of Health
Classification: Uncertain significance for Malignant hyperthermia, susceptibility to, 1. Last evaluated: 2023-10-27. Review status: criteria provided, single submitter. Criteria: ACMG Guidelines, 2015. Collection method: clinical testing. Allele origin: germline. Inheritance: Autosomal dominant inheritance. Observed: 3 variant alleles, 3 heterozygotes.
Comment: This missense variant replaces histidine with glutamine at codon 1941 of the RYR1 protein. Computational prediction suggests that this variant may not impact protein structure and function (internally defined REVEL score threshold <= 0.5, PMID: 27666373). To our knowledge, functional studies have not been reported for this variant. This variant has not been reported in individuals affected with RYR1-related disorders in the literature. This variant has not been identified in the general population by the Genome Aggregation Database (gnomAD). The available evidence is insufficient to determine the role of this variant in disease conclusively. Therefore, this variant is classified as a Variant of Uncertain Significance.

This study involves interpretation of variants in research participants for the purpose of population health screening. Participant phenotype was not available at the time of variant classification. Additional details can be found in publication PMID: 35346344, PMCID: PMC8962531